The following is an entry in ClinVar:

ClinVar aggregate classification (germline): Conflicting classifications of pathogenicity. Review status: criteria provided, conflicting classifications (1 of 4 stars). 5 submissions from 5 submitters: Uncertain significance (3); Likely benign (2). Last evaluated 2026-01-18.

Conditions:
Inborn genetic diseases. Identifiers: MedGen C0950123, MeSH D030342.
Autoimmune lymphoproliferative syndrome, type III caused by mutation in PRKCD. Identifiers: Orphanet 3261, Orphanet 664711, MedGen C3809928, MONDO:8000024, OMIM 615559.

Allele frequency attached by ClinVar (database versions not stated): ExAC 0.00015; gnomAD exomes 0.00016 and 0.00017; ESP Exome Variant Server 0.00038; gnomAD 0.00039 and 0.00041; TOPMed 0.00044; 1000 Genomes Project 0.00060; 1000 Genomes Project 30x 0.00062.
gnomAD v4.1: 305 of 1,613,144 alleles (0.019%); highest among the groups gnomAD compares: Middle Eastern, 0.46%; no homozygotes.

Submissions (5):

Labcorp Genetics (formerly Invitae), Labcorp
Classification: Likely benign for Autoimmune lymphoproliferative syndrome, type III caused by mutation in PRKCD. Last evaluated: 2026-01-18. Review status: criteria provided, single submitter. Criteria: Invitae Variant Classification Sherloc (09022015). Collection method: clinical testing. Allele origin: germline.

Mayo Clinic Laboratories, Mayo Clinic
Classification: Uncertain significance. Last evaluated: 2025-09-22. Review status: criteria provided, single submitter. Criteria: ACMG Guidelines, 2015. Collection method: clinical testing. Allele origin: germline. Observed: 2 variant alleles.
Comment: BP4_moderate, PP2

Blueprint Genetics
Classification: Uncertain significance. Last evaluated: 2024-11-04. Review status: criteria provided, single submitter. Criteria: ACMG Guidelines, 2015. Collection method: clinical testing. Allele origin: germline.

Ambry Genetics
Classification: Uncertain significance for Inborn genetic diseases. Last evaluated: 2023-12-15. Review status: criteria provided, single submitter. Criteria: Ambry Variant Classification Scheme 2023. Collection method: clinical testing. Allele origin: germline.

Breakthrough Genomics
Classification: Likely benign. Review status: criteria provided, single submitter. Criteria: ACMG Guidelines, 2015. Collection method: not provided. Allele origin: germline. Inheritance: Autosomal recessive inheritance. Affected: yes.

NM_006254.4(PRKCD):c.68C>T (p.Ala23Val)

Gene: PRKCD (protein kinase C delta; plus strand). Cytogenetic location: 3p21.1.
Variant type: single nucleotide variant.
Coding change: c.68C>T on transcript NM_006254.4 (MANE Select); coding-DNA position 68, C replaced by T.
Protein change: p.Ala23Val; replaces alanine 23 with valine.
Molecular consequence: missense variant.
Genome position (GRCh38, 1-based): chr3:53,178,490, C>T. VCF-style: chr3-53178490-C-T. GRCh37 (hg19) VCF-style: chr3-53212506-C-T.
Other names: p.Ala23Val; c.68C>T, p.Ala23Val (LRG_1327t1, NM_001316327.2, NM_001354679.2 and 2 more transcripts); c.125C>T, p.Ala42Val (NM_001354676.2); c.116C>T, p.Ala39Val (NM_001354678.2); short protein forms A42V, A39V, A23V.
Identifiers: ClinVar variation 660963 (VCV000660963.15), dbSNP rs144572650, ClinGen allele CA2451632.